The following is an entry in ClinVar:

ClinVar aggregate classification (germline): Benign. Review status: criteria provided, multiple submitters, no conflicts (2 of 4 stars). 3 submissions from 3 submitters: Benign (2). 1 of the submissions does not count toward it. Last evaluated 2022-09-19.

Conditions:
FLRT1-related disorder. Also called: FLRT1-related condition.
Peripheral neuropathy. Also called: Neuropathy. Identifiers: MedGen C0031117, MONDO:0005244, HP:0009830.

gnomAD v4.1: 1,828 of 1,611,512 alleles (0.11%); highest among the groups gnomAD compares: Middle Eastern, 0.78%; 11 homozygotes.

Submissions (3):

Labcorp Genetics (formerly Invitae), Labcorp
Classification: Benign for Peripheral neuropathy. Last evaluated: 2022-09-19. Review status: criteria provided, single submitter. Criteria: Invitae Variant Classification Sherloc (09022015). Collection method: clinical testing. Allele origin: germline.

Breakthrough Genomics
Classification: Benign. Review status: criteria provided, single submitter. Criteria: ACMG Guidelines, 2015. Collection method: not provided. Allele origin: germline. Inheritance: Unknown mechanism. Affected: yes.

PreventionGenetics, part of Exact Sciences
Classification: Likely benign for FLRT1-related condition. Last evaluated: 2024-07-22. Review status: no assertion criteria provided. Collection method: clinical testing. Allele origin: germline. Not counted in ClinVar's aggregate classification.
Comment: This variant is classified as likely benign based on ACMG/AMP sequence variant interpretation guidelines (Richards et al. 2015 PMID: 25741868, with internal and published modifications).

NM_013280.5(FLRT1):c.1833C>A (p.Ile611=)

Genes: FLRT1 (fibronectin leucine rich transmembrane protein 1; plus strand), MACROD1 (mono-ADP ribosylhydrolase 1; minus strand). Cytogenetic location: 11q13.1.
Variant type: single nucleotide variant.
Coding change: c.1833C>A on transcript NM_013280.5 (MANE Select); coding-DNA position 1833, C replaced by A.
Protein change: p.Ile611=; no amino-acid change (isoleucine 611 retained).
Molecular consequence: synonymous variant. On other transcripts: intron variant (2).
Genome position (GRCh38, 1-based): chr11:64,118,100, C>A. VCF-style: chr11-64118100-C-A. GRCh37 (hg19) VCF-style: chr11-63885572-C-A.
Other names: c.1833C>A, p.Ile611= (NM_001384466.1); c.1749C>A, p.Ile583= (NM_001423967.1); c.517+33139G>T (NM_001411019.1, NM_014067.4).
Identifiers: ClinVar variation 461797 (VCV000461797.13), dbSNP rs147439962, ClinGen allele CA6067804.